The following is an entry in ClinVar:

NM_003884.5(KAT2B):c.39_158del (p.Ala14_Gly53del)

Gene: KAT2B (lysine acetyltransferase 2B; plus strand). Cytogenetic location: 3p24.3.
Variant type: Deletion.
Coding change: c.39_158del on transcript NM_003884.5 (MANE Select); coding-DNA positions 39 to 158, 120 bases deleted.
Protein change: p.Ala14_Gly53del.
Genome position (GRCh38, 1-based): chr3:20,040,516-20,040,635, 120 bases deleted. GRCh37 (hg19): chr3:20,082,008-20,082,127.
Identifiers: ClinVar variation 3044350 (VCV003044350.2), dbSNP rs1697691490, ClinGen allele CA2284267.

ClinVar aggregate classification (germline): Likely benign (0 of 4 stars; one submission).

Conditions:
KAT2B-related disorder. Also called: KAT2B-related condition.

Submission:

PreventionGenetics, part of Exact Sciences
Classification: Likely benign for KAT2B-related condition. Last evaluated: 2022-05-19. Review status: no assertion criteria provided. Collection method: clinical testing. Allele origin: germline.
Comment: This variant is classified as likely benign based on ACMG/AMP sequence variant interpretation guidelines (Richards et al. 2015 PMID: 25741868, with internal and published modifications).